The following is an entry in ClinVar:

ClinVar aggregate classification (germline): Uncertain significance (1 of 4 stars; one submission).

Conditions:
Hereditary pancreatitis (PCTT). Also called: PRSS1-Related Hereditary Pancreatitis; Hereditary chronic pancreatitis. Identifiers: Orphanet 676, MedGen C0238339, MONDO:0008185, OMIM 167800.

Submission:

Ambry Genetics
Classification: Uncertain significance for Hereditary pancreatitis. Last evaluated: 2022-06-20. Review status: criteria provided, single submitter. Criteria: Ambry Variant Classification Scheme 2023. Collection method: clinical testing. Allele origin: germline.
Comment: The p.P78S variant (also known as c.232C>T), located in coding exon 4 of the SPINK1 gene, results from a C to T substitution at nucleotide position 232. The proline at codon 78 is replaced by serine, an amino acid with similar properties. This amino acid position is conserved. In addition, this alteration is predicted to be tolerated by in silico analysis. Since supporting evidence is limited at this time, the clinical significance of this alteration remains unclear.

NM_001379610.1(SPINK1):c.232C>T (p.Pro78Ser)

Gene: SPINK1 (serine peptidase inhibitor Kazal type 1; minus strand). Cytogenetic location: 5q32.
Variant type: single nucleotide variant.
Coding change: c.232C>T on transcript NM_001379610.1 (MANE Select); coding-DNA position 232, C replaced by T.
Protein change: p.Pro78Ser; replaces proline 78 with serine.
Molecular consequence: missense variant.
Genome position (GRCh38, 1-based): chr5:147,824,669, G>A on the plus strand (C>T on the coding strand, the complement: SPINK1 is on the minus strand). VCF-style: chr5-147824669-G-A. GRCh37 (hg19) VCF-style: chr5-147204232-G-A.
Other names: c.232C>T, p.Pro78Ser (NM_001354966.2, NM_003122.5); short protein forms P78S.
Identifiers: ClinVar variation 1789696 (VCV001789696.2), dbSNP rs1756366838, ClinGen allele CA361885068.